The following is an entry in ClinVar:

NM_001033855.3(DCLRE1C):c.162-2A>C

Gene: DCLRE1C (DNA cross-link repair 1C; minus strand). Cytogenetic location: 10p13.
Variant type: single nucleotide variant.
Coding change: c.162-2A>C on transcript NM_001033855.3 (MANE Select); the canonical splice acceptor site of the intron before coding-DNA position 162, A replaced by C.
Molecular consequence: splice acceptor variant. On other transcripts: intron variant (1).
Genome position (GRCh38, 1-based): chr10:14,945,191, T>G on the plus strand (A>C on the coding strand, the complement: DCLRE1C is on the minus strand). VCF-style: chr10-14945191-T-G. GRCh37 (hg19) VCF-style: chr10-14987190-T-G.
Other names: c.-128-2A>C (NM_001350966.2, NM_001289078.2, NM_022487.4); c.162-2A>C (NM_001350965.2); c.-199-2A>C (NM_001350967.2, NM_001289077.2, NM_001033857.3); c.-44+3845A>C (NM_001289076.2); c.-521-2A>C (NM_001289079.2, NM_001033858.3).
Identifiers: ClinVar variation 2840974 (VCV002840974.3), dbSNP rs2492301974, ClinGen allele CA376063614.

ClinVar aggregate classification (germline): Likely pathogenic (1 of 4 stars; one submission).

Conditions:
Severe combined immunodeficiency due to DCLRE1C deficiency (RS-SCID). Also called: SCID, AUTOSOMAL RECESSIVE, T CELL-NEGATIVE, B CELL-NEGATIVE, NK CELL-POSITIVE, WITH SENSITIVITY TO IONIZING RADIATION. Identifiers: Orphanet 275, MedGen C1865371, MONDO:0011225, OMIM 602450.

Submission:

Labcorp Genetics (formerly Invitae), Labcorp
Classification: Likely pathogenic for Athabaskan severe combined immunodeficiency. Last evaluated: 2023-02-26. Review status: criteria provided, single submitter. Criteria: Invitae Variant Classification Sherloc (09022015). Collection method: clinical testing. Allele origin: germline.
Comment: This variant has not been reported in the literature in individuals affected with DCLRE1C-related conditions. This variant is not present in population databases (gnomAD no frequency). This sequence change affects an acceptor splice site in intron 2 of the DCLRE1C gene. It is expected to disrupt RNA splicing. Variants that disrupt the donor or acceptor splice site typically lead to a loss of protein function (PMID: 16199547), and loss-of-function variants in DCLRE1C are known to be pathogenic (PMID: 21664875, 26123418). In summary, the currently available evidence indicates that the variant is pathogenic, but additional data are needed to prove that conclusively. Therefore, this variant has been classified as Likely Pathogenic. Algorithms developed to predict the effect of sequence changes on RNA splicing suggest that this variant may disrupt the consensus splice site.

Literature cited by the submitters: PubMed 16199547; PubMed 21664875; PubMed 26123418.